The following is an entry in ClinVar:

NM_177438.3(DICER1):c.1140G>C (p.Leu380=)

Gene: DICER1 (dicer 1, ribonuclease III; minus strand). Cytogenetic location: 14q32.13.
Variant type: single nucleotide variant.
Coding change: c.1140G>C on transcript NM_177438.3 (MANE Select); coding-DNA position 1140, G replaced by C.
Protein change: p.Leu380=; no amino-acid change (leucine 380 retained).
Molecular consequence: synonymous variant.
Genome position (GRCh38, 1-based): chr14:95,124,432, C>G on the plus strand (G>C on the coding strand, the complement: DICER1 is on the minus strand). VCF-style: chr14-95124432-C-G. GRCh37 (hg19) VCF-style: chr14-95590769-C-G.
Other names: NM_177438.3(DICER1):c.1140G>C; p.Leu380=; c.1140G>C, p.Leu380= (NM_001195573.1, NM_001271282.3, NM_001291628.2 and 1 more transcripts).
Identifiers: ClinVar variation 483434 (VCV000483434.18), dbSNP rs745464699, ClinGen allele CA7331523.

ClinVar aggregate classification (germline): Likely benign. Review status: reviewed by expert panel (3 of 4 stars). 5 submissions from 5 submitters: Likely benign (1). 4 of the submissions do not count toward it. Last evaluated 2024-06-25.

Conditions:
DICER1-related tumor predisposition. Also called: DICER1-related pleuropulmonary blastoma cancer predisposition syndrome; DICER1 syndrome. Identifiers: Orphanet 284343, MedGen C3839822, MONDO:0100216.
Hereditary cancer-predisposing syndrome. Also called: Hereditary neoplastic syndrome; Neoplastic Syndromes, Hereditary; Tumor predisposition; Hereditary Cancer Syndrome. Identifiers: Orphanet 140162, MedGen C0027672, MeSH D009386, MONDO:0015356.

Allele frequency attached by ClinVar (database versions not stated): gnomAD exomes below 0.00001 and 0.00001; ExAC 0.00001.
gnomAD v4.1: 10 of 1,614,118 alleles (0.00062%); highest among the groups gnomAD compares: South Asian, 0.0088%; no homozygotes.

Submissions (5):

ClinGen DICER1 and miRNA-Processing Gene Variant Curation Expert Panel, ClinGen
Classification: Likely benign for DICER1-related tumor predisposition. Last evaluated: 2024-06-25. Review status: reviewed by expert panel. Criteria: ClinGen DICER1 ACMG Specifications DICER1 V1.3.0. Collection method: curation. Allele origin: germline. Inheritance: Autosomal dominant inheritance.
Comment: The NM_177438.2:c.1140G>C (p.Leu380=) variant is a synonymous (silent) variant that is not predicted to impact splicing by MaxEntScan or SpliceAI (BP4, BP7). The total allele frequency in gnomAD v4.1.0 is 0.000006195 (10/1614118alleles) with a highest population minor allele frequency of 0.00008783 (8/91086alleles) in the South Asian population (PM2_Supporting, BS1, and BA1 are not met). In summary, this variant meets the criteria to be classified as Likely Benign for DICER1-related tumor predisposition based on the ACMG/AMP criteria applied, as specified by the ClinGen DICER1 VCEP: BP4, BP7. (Bayesian Points: -2; VCEP specifications version 1.3.0; 06/28/2024)

Labcorp Genetics (formerly Invitae), Labcorp
Classification: Likely benign for DICER1-related tumor predisposition. Last evaluated: 2025-11-03. Review status: criteria provided, single submitter. Criteria: Invitae Variant Classification Sherloc (09022015). Collection method: clinical testing. Allele origin: germline. Not counted in ClinVar's aggregate classification.

Quest Diagnostics Nichols Institute San Juan Capistrano
Classification: Likely benign. Last evaluated: 2025-10-16. Review status: criteria provided, single submitter. Criteria: Quest Diagnostics criteria. Collection method: clinical testing. Allele origin: unknown. Not counted in ClinVar's aggregate classification.

Sema4
Classification: Uncertain significance for Hereditary cancer-predisposing syndrome. Last evaluated: 2022-02-10. Review status: criteria provided, single submitter. Criteria: Sema4 Curation Guidelines. Collection method: curation. Allele origin: germline. Not counted in ClinVar's aggregate classification.
Comment: The DICER1 c.1140G>C (p.L380=) variant has not been reported in the literature to our knowledge. This variant was observed in 1/30612 chromosomes in the South Asian population, according to the Genome Aggregation Database (PMID: 32461654). In silico tools suggest that the variant does not have an impact on splicing, though these predictions have not been confirmed by functional studies. There is no indication that this variant causes disease, but the evidence is insufficient currently to prove that conclusively. Thus, the clinical significance of this variant is currently uncertain.

Ambry Genetics
Classification: Likely benign for Hereditary cancer-predisposing syndrome. Last evaluated: 2017-04-27. Review status: criteria provided, single submitter. Criteria: Ambry Variant Classification Scheme 2023. Collection method: clinical testing. Allele origin: germline. Not counted in ClinVar's aggregate classification.